The following is an entry in ClinVar:

NM_000059.4(BRCA2):c.7155_7162dup (p.Thr2388fs)

Gene: BRCA2 (BRCA2 DNA repair associated; plus strand). Cytogenetic location: 13q13.1.
Variant type: Duplication.
Coding change: c.7155_7162dup on transcript NM_000059.4 (MANE Select); coding-DNA positions 7155 to 7162, 8 bases duplicated (TTCTGCTA; older notation c.7155_7162dupTTCTGCTA).
Protein change: p.Thr2388fs; shifts the reading frame from threonine 2388.
Molecular consequence: frameshift variant.
Genome position (GRCh38, 1-based): chr13:32,355,008-32,355,015, TTCTGCTA duplicated. VCF-style (leftmost placement, unchanged base first): chr13-32355007-T-TTTCTGCTA. GRCh37 (hg19) VCF-style: chr13-32929144-T-TTTCTGCTA.
Other names: short protein forms T2388fs.
Identifiers: ClinVar variation 1075331 (VCV001075331.7), dbSNP rs2137556423, ClinGen allele CA2499222273.

ClinVar aggregate classification (germline): Pathogenic (1 of 4 stars; one submission).

Conditions:
Hereditary breast ovarian cancer syndrome. Also called: Hereditary breast and ovarian cancer; Breast and ovarian cancer; BRCA1- and BRCA2-Associated Hereditary Breast and Ovarian Cancer; Hereditary breast and/or ovarian cancer syndrome; Hereditary breast and ovarian cancer syndrome; Hereditary breast and ovarian cancer syndrome (HBOC). Identifiers: Orphanet 145, MedGen C0677776, MeSH D061325, MONDO:0003582. Disease mechanism: loss of function.

Submission:

Labcorp Genetics (formerly Invitae), Labcorp
Classification: Pathogenic for Hereditary breast ovarian cancer syndrome. Last evaluated: 2020-07-08. Review status: criteria provided, single submitter. Criteria: Invitae Variant Classification Sherloc (09022015). Collection method: clinical testing. Allele origin: germline.
Comment: For these reasons, this variant has been classified as Pathogenic. This sequence change creates a premature translational stop signal (p.Thr2388Ilefs*9) in the BRCA2 gene. It is expected to result in an absent or disrupted protein product. This variant is not present in population databases (ExAC no frequency). This variant has not been reported in the literature in individuals with BRCA2-related conditions. Loss-of-function variants in BRCA2 are known to be pathogenic (PMID: 20104584).

Literature cited by the submitters: PubMed 20104584.